The following is an entry in ClinVar:

NM_002519.3(NPAT):c.3593A>G (p.Glu1198Gly)

Gene: NPAT (nuclear protein, coactivator of histone transcription; minus strand). Cytogenetic location: 11q22.3.
Variant type: single nucleotide variant.
Coding change: c.3593A>G on transcript NM_002519.3 (MANE Select); coding-DNA position 3593, A replaced by G.
Protein change: p.Glu1198Gly; replaces glutamic acid 1198 with glycine.
Molecular consequence: missense variant.
Genome position (GRCh38, 1-based): chr11:108,161,493, T>C on the plus strand (A>G on the coding strand, the complement: NPAT is on the minus strand). VCF-style: chr11-108161493-T-C. GRCh37 (hg19) VCF-style: chr11-108032220-T-C.
Other names: c.3614A>G, p.Glu1205Gly (NM_001321307.1); short protein forms E1205G, E1198G.
Identifiers: ClinVar variation 1733003 (VCV001733003.2), dbSNP rs2496695424, ClinGen allele CA382510466.

ClinVar aggregate classification (germline): Uncertain significance (1 of 4 stars; one submission).

Submission:

Ambry Genetics
Classification: Uncertain significance. Last evaluated: 2021-10-07. Review status: criteria provided, single submitter. Criteria: Ambry Variant Classification Scheme 2023. Collection method: clinical testing. Allele origin: germline.
Comment: The p.E1198G variant (also known as c.3593A>G), located in coding exon 17 of the NPAT gene, results from an A to G substitution at nucleotide position 3593. The glutamic acid at codon 1198 is replaced by glycine, an amino acid with similar properties. This amino acid position is conserved. In addition, this alteration is predicted to be tolerated by in silico analysis. Since supporting evidence is limited at this time, the clinical significance of this alteration remains unclear.